The following is an entry in ClinVar:

ClinVar aggregate classification (germline): Uncertain significance (1 of 4 stars; one submission).

Conditions:
Saldino-Mainzer syndrome (SRTD9). Also called: CONORENAL SYNDROME; Renal dysplasia, retinal pigmentary dystrophy, cerebellar ataxia and skeletal dysplasia; SHORT-RIB THORACIC DYSPLASIA 9 WITHOUT POLYDACTYLY; short-rib thoracic dysplasia 9 with or without polydactyly. Identifiers: Orphanet 140969, MedGen C1849437, MONDO:0009964, OMIM 266920.

Submission:

Labcorp Genetics (formerly Invitae), Labcorp
Classification: Uncertain significance for Saldino-Mainzer syndrome. Last evaluated: 2025-06-30. Review status: criteria provided, single submitter. Criteria: Invitae Variant Classification Sherloc (09022015). Collection method: clinical testing. Allele origin: germline.
Comment: This sequence change affects codon 1047 of the IFT140 mRNA. It is a 'silent' change, meaning that it does not change the encoded amino acid sequence of the IFT140 protein. This variant also falls at the last nucleotide of exon 24, which is part of the consensus splice site for this exon. This variant is not present in population databases (gnomAD no frequency). This variant has been observed in individual(s) with clinical features of IFT140-related conditions (PMID: 36227438). Variants that disrupt the consensus splice site are a relatively common cause of aberrant splicing (PMID: 17576681, 9536098). Algorithms developed to predict the effect of sequence changes on RNA splicing suggest that this variant may disrupt the consensus splice site. In summary, the available evidence is currently insufficient to determine the role of this variant in disease. Therefore, it has been classified as a Variant of Uncertain Significance.

Literature cited by the submitters: PubMed 36227438; PubMed 17576681; PubMed 9536098.

NM_014714.4(IFT140):c.3141G>A (p.Lys1047=)

Genes: IFT140 (intraflagellar transport 140; minus strand), LOC126862260 (CDK7 strongly-dependent group 2 enhancer GRCh37_chr16:1574508-1575707; plus strand). Cytogenetic location: 16p13.3.
Variant type: single nucleotide variant.
Coding change: c.3141G>A on transcript NM_014714.4 (MANE Select); coding-DNA position 3141, G replaced by A.
Protein change: p.Lys1047=; no amino-acid change (lysine 1047 retained).
Molecular consequence: synonymous variant.
Genome position (GRCh38, 1-based): chr16:1,524,552, C>T on the plus strand (G>A on the coding strand, the complement: IFT140 is on the minus strand). VCF-style: chr16-1524552-C-T. GRCh37 (hg19) VCF-style: chr16-1574553-C-T.
Identifiers: ClinVar variation 4710804 (VCV004710804.1).